The following is an entry in ClinVar:

ClinVar aggregate classification (germline): Conflicting classifications of pathogenicity. Review status: criteria provided, conflicting classifications (1 of 4 stars). 3 submissions from 3 submitters: Uncertain significance (2); Likely benign (1). Last evaluated 2025-03-01.

Allele frequency attached by ClinVar (database versions not stated): gnomAD 0.00010 and 0.00011; 1000 Genomes Project 0.00020; ESP Exome Variant Server 0.00098.
gnomAD v4.1: 43 of 1,530,504 alleles (0.0028%); highest among the groups gnomAD compares: African/African-American, 0.041%; no homozygotes.

Submissions (3):

CeGaT Center for Human Genetics Tuebingen
Classification: Likely benign. Last evaluated: 2025-03-01. Review status: criteria provided, single submitter. Criteria: CeGaT Center For Human Genetics Tuebingen Variant Classification Criteria Version 2. Collection method: clinical testing. Allele origin: germline. Affected: yes. Observed: 2 variant alleles.
Comment: DSPP: BP4, BP7

Eurofins Ntd Llc (ga)
Classification: Uncertain significance. Last evaluated: 2014-10-15. Review status: criteria provided, single submitter. Criteria: EGL Classification Definitions 2015. Collection method: clinical testing. Allele origin: germline. Observed: 2 variant alleles, 2 heterozygotes.

Breakthrough Genomics
Classification: Uncertain significance. Review status: criteria provided, single submitter. Criteria: ACMG Guidelines, 2015. Collection method: not provided. Allele origin: germline. Inheritance: Autosomal dominant inheritance. Affected: yes.

NM_014208.3(DSPP):c.2874T>C (p.Asn958=)

Genes: DMP1-AS1 (DMP1 and DSPP antisense RNA 1; minus strand), DSPP (dentin sialophosphoprotein; plus strand). Cytogenetic location: 4q22.1.
Variant type: single nucleotide variant.
Coding change: c.2874T>C on transcript NM_014208.3 (MANE Select); coding-DNA position 2874, T replaced by C.
Protein change: p.Asn958=; no amino-acid change (asparagine 958 retained).
Molecular consequence: synonymous variant.
Genome position (GRCh38, 1-based): chr4:87,615,536, T>C. VCF-style: chr4-87615536-T-C. GRCh37 (hg19) VCF-style: chr4-88536688-T-C.
Other names: c.2874T>C, p.Asn958= (LRG_1242t1).
Identifiers: ClinVar variation 197804 (VCV000197804.30), dbSNP rs374607352, ClinGen allele CA246138.